The following is an entry in ClinVar:

ClinVar aggregate classification (germline): Likely benign. Review status: criteria provided, multiple submitters, no conflicts (2 of 4 stars). 2 submissions from 2 submitters: Likely benign (2). Last evaluated 2025-05-01.

Conditions:
MYOCD-related condition.

gnomAD v4.1: 598 of 1,614,158 alleles (0.037%); highest among the groups gnomAD compares: Middle Eastern, 0.26%; 1 homozygote.

Submissions (2):

PreventionGenetics, part of Exact Sciences
Classification: Likely benign for MYOCD-related condition. Last evaluated: 2025-05-01. Review status: criteria provided, single submitter. Criteria: ACMG Guidelines, 2015. Collection method: clinical testing. Allele origin: germline.
Comment: This variant is classified as likely benign based on ACMG/AMP sequence variant interpretation guidelines (Richards et al. 2015 PMID: 25741868, with internal and published modifications).

CeGaT Center for Human Genetics Tuebingen
Classification: Likely benign. Last evaluated: 2024-10-01. Review status: criteria provided, single submitter. Criteria: CeGaT Center For Human Genetics Tuebingen Variant Classification Criteria Version 2. Collection method: clinical testing. Allele origin: germline. Affected: yes. Observed: 1 variant allele.
Comment: MYOCD: BP4, BP7

NM_001146312.3(MYOCD):c.537G>A (p.Pro179=)

Gene: MYOCD (myocardin; plus strand). Cytogenetic location: 17p12.
Variant type: single nucleotide variant.
Coding change: c.537G>A on transcript NM_001146312.3 (MANE Select); coding-DNA position 537, G replaced by A.
Protein change: p.Pro179=; no amino-acid change (proline 179 retained).
Molecular consequence: synonymous variant.
Genome position (GRCh38, 1-based): chr17:12,736,282, G>A. VCF-style: chr17-12736282-G-A. GRCh37 (hg19) VCF-style: chr17-12639599-G-A.
Other names: c.300G>A, p.Pro100= (NM_001378306.1); c.537G>A, p.Pro179= (NM_153604.4); c.537G>A (NM_001146312.2).
Identifiers: ClinVar variation 3388207 (VCV003388207.15).